The following is an entry in ClinVar:

NM_022893.4(BCL11A):c.55+4A>G

Gene: BCL11A (BCL11 transcription factor A; minus strand). Cytogenetic location: 2p16.1.
Variant type: single nucleotide variant.
Coding change: c.55+4A>G on transcript NM_022893.4 (MANE Select); 4 bases into the intron after coding-DNA position 55, A replaced by G.
Molecular consequence: intron variant.
Genome position (GRCh38, 1-based): chr2:60,553,212, T>C on the plus strand (A>G on the coding strand, the complement: BCL11A is on the minus strand). VCF-style: chr2-60553212-T-C. GRCh37 (hg19) VCF-style: chr2-60780347-T-C.
Other names: c.55+4A>G (NM_001405710.1, NM_001405708.1, NM_001405711.1 and 10 more transcripts); c.-621+4A>G (NM_001405731.1, NM_001405726.1, NM_001405725.1); c.-478+4A>G (NM_001405728.1); c.-371+4A>G (NM_001405721.1).
Identifiers: ClinVar variation 4527473 (VCV004527473.1).

ClinVar aggregate classification (germline): Uncertain significance (1 of 4 stars; one submission).

Submission:

GeneDx
Classification: Uncertain significance. Last evaluated: 2025-04-23. Review status: criteria provided, single submitter. Criteria: GeneDx Variant Classification Process June 2021. Collection method: clinical testing. Allele origin: germline. Affected: yes.
Comment: Not observed at significant frequency in large population cohorts (gnomAD); In silico analysis supports a deleterious effect on splicing; Has not been previously published as pathogenic or benign to our knowledge